The following is an entry in ClinVar:

NM_014946.4(SPAST):c.1005-5C>A

Gene: SPAST (spastin; plus strand). Cytogenetic location: 2p22.3.
Variant type: single nucleotide variant.
Coding change: c.1005-5C>A on transcript NM_014946.4 (MANE Select); 5 bases into the intron before coding-DNA position 1005, C replaced by A.
Molecular consequence: intron variant.
Genome position (GRCh38, 1-based): chr2:32,116,114, C>A. VCF-style: chr2-32116114-C-A. GRCh37 (hg19) VCF-style: chr2-32341183-C-A.
Other names: p.?; c.909-5C>A (NM_199436.2, NM_001377959.1); c.1002-5C>A (NM_001363823.2); c.906-5C>A (NM_001363875.2).
Identifiers: ClinVar variation 335834 (VCV000335834.7), dbSNP rs377123251, ClinGen allele CA10615305.

ClinVar aggregate classification (germline): Uncertain significance. Review status: criteria provided, multiple submitters, no conflicts (2 of 4 stars). 3 submissions from 3 submitters: Uncertain significance (3). Last evaluated 2025-08-06.

Conditions:
Hereditary spastic paraplegia 4. Also called: Spastic paraplegia 4, autosomal dominant; Spastic Paraplegia 4; Familial spastic paraplegia autosomal dominant 2. Identifiers: Orphanet 100985, MedGen C1866855, MONDO:0008438, OMIM 182601.

Allele frequency attached by ClinVar (database versions not stated): TOPMed 0.00002.
gnomAD v4.1: 24 of 1,607,788 alleles (0.0015%); highest among the groups gnomAD compares: Non-Finnish European, 0.0019%; no homozygotes.

Submissions (3):

Mayo Clinic Laboratories, Mayo Clinic
Classification: Uncertain significance. Last evaluated: 2025-08-06. Review status: criteria provided, single submitter. Criteria: ACMG Guidelines, 2015. Collection method: clinical testing. Allele origin: germline. Observed: 1 variant allele.
Comment: BS2

GeneDx
Classification: Uncertain significance. Last evaluated: 2019-05-08. Review status: criteria provided, single submitter. Criteria: GeneDx Variant Classification Process June 2021. Collection method: clinical testing. Allele origin: germline. Affected: yes.
Comment: Not observed in large population cohorts (Lek et al., 2016); Has not been previously published as pathogenic or benign to our knowledge; In-silico analysis, which includes splice predictors and evolutionary conservation, is inconclusive as to whether the variant alters gene splicing. In the absence of RNA/functional studies, the actual effect of this sequence change is unknown.

Illumina Laboratory Services, Illumina
Classification: Uncertain significance for Hereditary spastic paraplegia 4. Last evaluated: 2018-01-13. Review status: criteria provided, single submitter. Criteria: ICSL Variant Classification Criteria 13 December 2019. Collection method: clinical testing. Allele origin: germline.